The following is an entry in ClinVar:

ClinVar aggregate classification (germline): Uncertain significance (1 of 4 stars; one submission).

Allele frequency attached by ClinVar (database versions not stated): gnomAD exomes below 0.00001.
gnomAD v4.1: 1 of 1,614,062 alleles (0.000062%); highest among the groups gnomAD compares: Non-Finnish European, 0.000085%; no homozygotes.

Submission:

Labcorp Genetics (formerly Invitae), Labcorp
Classification: Uncertain significance. Last evaluated: 2022-01-04. Review status: criteria provided, single submitter. Criteria: Invitae Variant Classification Sherloc (09022015). Collection method: clinical testing. Allele origin: germline.
Comment: This variant has not been reported in the literature in individuals affected with CLCN2-related conditions. In summary, the available evidence is currently insufficient to determine the role of this variant in disease. Therefore, it has been classified as a Variant of Uncertain Significance. Advanced modeling of protein sequence and biophysical properties (such as structural, functional, and spatial information, amino acid conservation, physicochemical variation, residue mobility, and thermodynamic stability) performed at Invitae indicates that this missense variant is not expected to disrupt CLCN2 protein function. This variant is not present in population databases (gnomAD no frequency). This sequence change replaces isoleucine, which is neutral and non-polar, with valine, which is neutral and non-polar, at codon 186 of the CLCN2 protein (p.Ile186Val).

NM_004366.6(CLCN2):c.556A>G (p.Ile186Val)

Gene: CLCN2 (chloride voltage-gated channel 2; minus strand). Cytogenetic location: 3q27.1.
Variant type: single nucleotide variant.
Coding change: c.556A>G on transcript NM_004366.6 (MANE Select); coding-DNA position 556, A replaced by G.
Protein change: p.Ile186Val; replaces isoleucine 186 with valine.
Molecular consequence: missense variant.
Genome position (GRCh38, 1-based): chr3:184,358,021, T>C on the plus strand (A>G on the coding strand, the complement: CLCN2 is on the minus strand). VCF-style: chr3-184358021-T-C. GRCh37 (hg19) VCF-style: chr3-184075809-T-C.
Other names: c.556A>G, p.Ile186Val (NM_001171087.3, NM_001171089.3); c.424A>G, p.Ile142Val (NM_001171088.3); short protein forms I186V, I142V.
Identifiers: ClinVar variation 2072923 (VCV002072923.4), dbSNP rs2474258733, ClinGen allele CA355456807.